The following is an entry in ClinVar:

NM_000051.4(ATM):c.2409C>T (p.Phe803=)

Gene: ATM (ATM serine/threonine kinase; plus strand). Cytogenetic location: 11q22.3.
Variant type: single nucleotide variant.
Coding change: c.2409C>T on transcript NM_000051.4 (MANE Select); coding-DNA position 2409, C replaced by T.
Protein change: p.Phe803=; no amino-acid change (phenylalanine 803 retained).
Molecular consequence: synonymous variant.
Genome position (GRCh38, 1-based): chr11:108,259,018, C>T. VCF-style: chr11-108259018-C-T. GRCh37 (hg19) VCF-style: chr11-108129745-C-T.
Other names: c.2409C>T (NM_000051.3); c.2409C>T, p.Phe803= (NM_001351834.2).
Identifiers: ClinVar variation 1618824 (VCV001618824.10), dbSNP rs1416444032, ClinGen allele CA476672864.
Genomic context (GRCh38, chr11:108,259,018, plus strand): 5'-CTTGGTTCTTTGTTTGTCTTAATTGCAGAAGAGTCCAAATAAGATTGCATCTGGCTTTTT[C>T]CTGCGATTGTTAACATCAAAGCTAATGAATGACATTGCAGATATTTGTAAAAGTTTAGTA-3'
Protein context (NP_000042.3, residues 793-813): KSPNKIASGF[Phe803=]LRLLTSKLMN

ClinVar aggregate classification (germline): Benign/Likely benign. Review status: criteria provided, multiple submitters, no conflicts (2 of 4 stars). 3 submissions from 3 submitters: Benign (1); Likely benign (2). Last evaluated 2025-09-18.

Conditions:
Hereditary cancer-predisposing syndrome. Also called: Neoplastic Syndromes, Hereditary; Hereditary neoplastic syndrome; Tumor predisposition; Hereditary Cancer Syndrome. Identifiers: Orphanet 140162, MedGen C0027672, MeSH D009386, MONDO:0015356.
Familial cancer of breast. Also called: BREAST CANCER, FAMILIAL; Hereditary breast cancer; hereditary breast carcinoma. Identifiers: Orphanet 227535, MedGen C0346153, MONDO:0016419, OMIM 114480. Disease mechanism: loss of function.
Ataxia-telangiectasia syndrome (AT). Also called: Cerebello-oculocutaneous telangiectasia; Immunodeficiency with ataxia telangiectasia; Ataxia telangiectasia (A-T); Ataxia-telangiectasia, complementation group E; LOUIS-BAR SYNDROME; Ataxia-telangiectasia. Identifiers: Orphanet 100, MedGen C0004135, MONDO:0008840, OMIM 208900.

Allele frequency attached by ClinVar (database versions not stated): gnomAD exomes below 0.00001.
gnomAD v4.1: 1 of 1,613,796 alleles (0.000062%); highest among the groups gnomAD compares: Admixed American, 0.0017%; no homozygotes.

Submissions (3):

Ambry Genetics
Classification: Likely benign for Hereditary cancer-predisposing syndrome. Last evaluated: 2025-09-18. Review status: criteria provided, single submitter. Criteria: Ambry Variant Classification Scheme 2023. Collection method: clinical testing. Allele origin: germline.

Myriad Genetics, Inc.
Classification: Benign for Familial cancer of breast. Last evaluated: 2024-05-08. Review status: criteria provided, single submitter. Criteria: Myriad Autosomal Dominant, Autosomal Recessive and X-Linked Classification Criteria (2023). Collection method: clinical testing. Allele origin: unknown.
Comment: This variant is considered benign. This variant is a silent/synonymous amino acid change and it is not expected to impact splicing.

Labcorp Genetics (formerly Invitae), Labcorp
Classification: Likely benign for Ataxia-telangiectasia syndrome. Last evaluated: 2021-11-24. Review status: criteria provided, single submitter. Criteria: Invitae Variant Classification Sherloc (09022015). Collection method: clinical testing. Allele origin: germline.